The following is an entry in ClinVar:

NM_000719.7(CACNA1C):c.5084T>C (p.Ile1695Thr)

Genes: CACNA1C (calcium voltage-gated channel subunit alpha1 C; plus strand), CACNA1C-AS1 (CACNA1C antisense RNA 1; minus strand). Cytogenetic location: 12p13.33.
Variant type: single nucleotide variant.
Coding change: c.5084T>C on transcript NM_000719.7 (MANE Select); coding-DNA position 5084, T replaced by C.
Protein change: p.Ile1695Thr; replaces isoleucine 1695 with threonine.
Molecular consequence: missense variant. On other transcripts: non-coding transcript variant (1).
Genome position (GRCh38, 1-based): chr12:2,677,860, T>C. VCF-style: chr12-2677860-T-C. GRCh37 (hg19) VCF-style: chr12-2787026-T-C.
Other names: c.5228T>C, p.Ile1743Thr (NM_001129827.2, NM_199460.4); c.5207T>C, p.Ile1736Thr (NM_001129829.2); c.5084T>C, p.Ile1695Thr (NM_001129830.3, NM_001129840.2, NM_001129841.2 and 4 more transcripts); c.5168T>C, p.Ile1723Thr (NM_001129831.2); c.5144T>C, p.Ile1715Thr (NM_001129832.2); c.5141T>C, p.Ile1714Thr (NM_001129833.2, NM_001129834.2, NM_001129835.2); c.5135T>C, p.Ile1712Thr (NM_001129836.2); c.5108T>C, p.Ile1703Thr (NM_001129837.2, NM_001129838.2); and 3 more; short protein forms I1743T, I1695T, I1703T, I1684T, I1692T, I1712T, I1715T, I1723T.
Identifiers: ClinVar variation 568805 (VCV000568805.9), dbSNP rs1479799949, ClinGen allele CA383378453.

ClinVar aggregate classification (germline): Uncertain significance (1 of 4 stars; one submission).

Conditions:
Long QT syndrome (LQTS). Identifiers: MedGen C0023976, MeSH D008133, MONDO:0002442. Disease mechanism: loss of function. Inheritance: Various modes of inheritance.

Allele frequency attached by ClinVar (database versions not stated): gnomAD exomes below 0.00001.
gnomAD v4.1: 1 of 1,613,914 alleles (0.000062%); highest among the groups gnomAD compares: Non-Finnish European, 0.000085%; no homozygotes.

Submission:

Labcorp Genetics (formerly Invitae), Labcorp
Classification: Uncertain significance for Long QT syndrome. Last evaluated: 2022-03-19. Review status: criteria provided, single submitter. Criteria: Invitae Variant Classification Sherloc (09022015). Collection method: clinical testing. Allele origin: germline.
Comment: In summary, the available evidence is currently insufficient to determine the role of this variant in disease. Therefore, it has been classified as a Variant of Uncertain Significance. Algorithms developed to predict the effect of missense changes on protein structure and function (SIFT, PolyPhen-2, Align-GVGD) all suggest that this variant is likely to be tolerated. ClinVar contains an entry for this variant (Variation ID: 568805). This variant has not been reported in the literature in individuals affected with CACNA1C-related conditions. This variant is present in population databases (no rsID available, gnomAD 0.0009%). This sequence change replaces isoleucine, which is neutral and non-polar, with threonine, which is neutral and polar, at codon 1695 of the CACNA1C protein (p.Ile1695Thr).